The following is an entry in ClinVar:

ClinVar aggregate classification (germline): Likely pathogenic (1 of 4 stars; one submission).

Conditions:
Dilated cardiomyopathy 1G (CMD1G). Identifiers: Orphanet 154, MedGen C1858763, MONDO:0011400, OMIM 604145.
Autosomal recessive limb-girdle muscular dystrophy type 2J (LGMDR10). Also called: Limb-girdle muscular dystrophy, type 2J; MUSCULAR DYSTROPHY, LIMB-GIRDLE, AUTOSOMAL RECESSIVE 10. Identifiers: Orphanet 140922, MedGen C1837342, MONDO:0012127, OMIM 608807.

Submission:

Labcorp Genetics (formerly Invitae), Labcorp
Classification: Likely pathogenic for Dilated cardiomyopathy 1G; Autosomal recessive limb-girdle muscular dystrophy type 2J. Last evaluated: 2025-03-09. Review status: criteria provided, single submitter. Criteria: Invitae Variant Classification Sherloc (09022015). Collection method: clinical testing. Allele origin: germline.
Comment: This sequence change creates a premature translational stop signal (p.Ser33009Glnfs*52) in the TTN gene. While this is not anticipated to result in nonsense mediated decay, it is expected to create a truncated TTN protein. This variant is not present in population databases (gnomAD no frequency). This variant has not been reported in the literature in individuals affected with TTN-related conditions. This variant is located in the A band of TTN (PMID: 25589632). Truncating variants in this region are significantly overrepresented in patients affected with dilated cardiomyopathy (PMID: 25589632). Truncating variants in this region have also been reported in individuals affected with autosomal recessive centronuclear myopathy (PMID: 23975875). In summary, the currently available evidence indicates that the variant is pathogenic, but additional data are needed to prove that conclusively. Therefore, this variant has been classified as Likely Pathogenic.

Literature cited by the submitters: PubMed 25589632; PubMed 23975875.

NM_001267550.2(TTN):c.99025del (p.Ser33009fs)

Genes: TTN-AS1 (TTN antisense RNA 1; plus strand), TTN (titin; minus strand). Cytogenetic location: 2q31.2.
Variant type: Deletion.
Coding change: c.99025del on transcript NM_001267550.2 (MANE Select); coding-DNA position 99025, one base deleted (T; older notation c.99025delT).
Protein change: p.Ser33009fs; shifts the reading frame from serine 33009.
Molecular consequence: frameshift variant. On other transcripts: non-coding transcript variant (1).
Genome position (GRCh38, 1-based): chr2:178,538,804, A deleted on the plus strand (T on the coding strand, the reverse complement: TTN is on the minus strand); the first of 3 consecutive A bases (chr2:178,538,804-178,538,806); deleting any one gives the same sequence. VCF-style (leftmost placement, unchanged base first): chr2-178538803-GA-G. GRCh37 (hg19) VCF-style: chr2-179403530-GA-G.
Other names: c.94102del, p.Ser31368fs (NM_001256850.1); c.71830del, p.Ser23944fs (NM_003319.4); c.91321del, p.Ser30441fs (NM_133378.4); c.72205del, p.Ser24069fs (NM_133432.3); c.72406del, p.Ser24136fs (NM_133437.4); short protein forms S31368fs, S33009fs, S24136fs, S23944fs, S24069fs, S30441fs.
Identifiers: ClinVar variation 4784336 (VCV004784336.1).